The following is an entry in ClinVar:

NM_001165963.4(SCN1A):c.3976G>A (p.Ala1326Thr)

Genes: SCN1A (sodium voltage-gated channel alpha subunit 1; minus strand), LOC102724058 (uncharacterized LOC102724058; plus strand). Cytogenetic location: 2q24.3.
Variant type: single nucleotide variant.
Coding change: c.3976G>A on transcript NM_001165963.4 (MANE Select); coding-DNA position 3976, G replaced by A.
Protein change: p.Ala1326Thr; replaces alanine 1326 with threonine.
Molecular consequence: missense variant. On other transcripts: non-coding transcript variant (1).
Genome position (GRCh38, 1-based): chr2:166,009,745, C>T on the plus strand (G>A on the coding strand, the complement: SCN1A is on the minus strand). VCF-style: chr2-166009745-C-T. GRCh37 (hg19) VCF-style: chr2-166866255-C-T.
Other names: c.3892G>A, p.Ala1298Thr (NM_001165964.3, NM_001353957.2, NM_001353958.2); c.3976G>A, p.Ala1326Thr (NM_001202435.3, NM_001353948.2); c.3943G>A, p.Ala1315Thr (NM_001353949.2, NM_001353950.2, NM_001353951.2 and 2 more transcripts); c.3940G>A, p.Ala1314Thr (NM_001353954.2, NM_001353955.2); c.3889G>A, p.Ala1297Thr (NM_001353960.2); c.1534G>A, p.Ala512Thr (NM_001353961.2); short protein forms A1298T, A1315T, A512T, A1314T, A1297T, A1326T.
Identifiers: ClinVar variation 1504271 (VCV001504271.9), dbSNP rs121918803, ClinGen allele CA349052978.
Genomic context (GRCh38, chr2:166,009,745, plus strand): 5'-TATACAATACTTCAGGTTCTTTCATTTTTCTTACCCTCATCCCTTCAAATCGAGATAAGG[C>T]TCTTAGAGGTCTCAGAGCTCTTAGTGTCCTGAGAGATTTGATGGCTCCAAGTTCTGAGTA-3'
Protein context (NP_001159435.1, residues 1316-1336): RTLRALRPLR[Ala1326Thr]LSRFEGMRVV

ClinVar aggregate classification (germline): Likely pathogenic (1 of 4 stars; one submission).

Conditions:
Early-infantile DEE. Also called: Early infantile epileptic encephalopathy; Ohtahara syndrome; Early infantile epileptic encephalopathy with suppression bursts. Identifiers: Orphanet 1934, MedGen C0393706, MONDO:0800491.

Submission:

Labcorp Genetics (formerly Invitae), Labcorp
Classification: Likely pathogenic for Early-infantile DEE. Last evaluated: 2022-07-11. Review status: criteria provided, single submitter. Criteria: Invitae Variant Classification Sherloc (09022015). Collection method: clinical testing. Allele origin: germline.
Comment: In summary, the currently available evidence indicates that the variant is pathogenic, but additional data are needed to prove that conclusively. Therefore, this variant has been classified as Likely Pathogenic. This variant disrupts the p.Ala1326 amino acid residue in SCN1A. Other variant(s) that disrupt this residue have been determined to be pathogenic (PMID: 19763161). This suggests that this residue is clinically significant, and that variants that disrupt this residue are likely to be disease-causing. Advanced modeling of protein sequence and biophysical properties (such as structural, functional, and spatial information, amino acid conservation, physicochemical variation, residue mobility, and thermodynamic stability) performed at Invitae indicates that this missense variant is expected to disrupt SCN1A protein function. ClinVar contains an entry for this variant (Variation ID: 1504271). This variant has not been reported in the literature in individuals affected with SCN1A-related conditions. This variant is not present in population databases (gnomAD no frequency). This sequence change replaces alanine, which is neutral and non-polar, with threonine, which is neutral and polar, at codon 1326 of the SCN1A protein (p.Ala1326Thr).

Literature cited by the submitters: PubMed 19763161.